The following is an entry in ClinVar:

ClinVar aggregate classification (germline): Uncertain significance (1 of 4 stars; one submission).

Conditions:
Inborn genetic diseases. Identifiers: MedGen C0950123, MeSH D030342.

gnomAD v4.1: 1 of 1,588,896 alleles (0.000063%); highest among the groups gnomAD compares: Non-Finnish European, 0.000086%; no homozygotes.

Submission:

Ambry Genetics
Classification: Uncertain significance for Inborn genetic diseases. Last evaluated: 2025-10-15. Review status: criteria provided, single submitter. Criteria: Ambry Variant Classification Scheme 2023. Collection method: clinical testing. Allele origin: germline.
Comment: The p.G828S variant (also known as c.2482G>A), located in coding exon 16 of the PIK3CA gene, results from a G to A substitution at nucleotide position 2482. The glycine at codon 828 is replaced by serine, an amino acid with similar properties. This amino acid position is conserved. In addition, the in silico prediction for this alteration is inconclusive. Based on the available evidence, the clinical significance of this variant remains unclear.

NM_006218.4(PIK3CA):c.2482G>A (p.Gly828Ser)

Gene: PIK3CA (phosphatidylinositol-4,5-bisphosphate 3-kinase catalytic subunit alpha; plus strand). Cytogenetic location: 3q26.32.
Variant type: single nucleotide variant.
Coding change: c.2482G>A on transcript NM_006218.4 (MANE Select); coding-DNA position 2482, G replaced by A.
Protein change: p.Gly828Ser; replaces glycine 828 with serine.
Molecular consequence: missense variant.
Genome position (GRCh38, 1-based): chr3:179,226,027, G>A. VCF-style: chr3-179226027-G-A. GRCh37 (hg19) VCF-style: chr3-178943815-G-A.
Other names: short protein forms G828S.
Identifiers: ClinVar variation 4627612 (VCV004627612.1).